The following is an entry in ClinVar:

NM_018136.5(ASPM):c.1469G>A (p.Arg490His)

Gene: ASPM (assembly factor for spindle microtubules; minus strand). Cytogenetic location: 1q31.3.
Variant type: single nucleotide variant.
Coding change: c.1469G>A on transcript NM_018136.5 (MANE Select); coding-DNA position 1469, G replaced by A.
Protein change: p.Arg490His; replaces arginine 490 with histidine.
Molecular consequence: missense variant.
Genome position (GRCh38, 1-based): chr1:197,142,783, C>T on the plus strand (G>A on the coding strand, the complement: ASPM is on the minus strand). VCF-style: chr1-197142783-C-T. GRCh37 (hg19) VCF-style: chr1-197111913-C-T.
Other names: c.1469G>A, p.Arg490His (NM_001206846.2); short protein forms R490H.
Identifiers: ClinVar variation 1372575 (VCV001372575.4), dbSNP rs545470771, ClinGen allele CA1310705.

ClinVar aggregate classification (germline): Uncertain significance (1 of 4 stars; one submission).

Allele frequency attached by ClinVar (database versions not stated): ExAC 0.00008; gnomAD exomes 0.00009; gnomAD 0.00014 and 0.00017; TOPMed 0.00014; 1000 Genomes Project 0.00040; 1000 Genomes Project 30x 0.00047.
gnomAD v4.1: 78 of 1,613,468 alleles (0.0048%); highest among the groups gnomAD compares: Admixed American, 0.047%; no homozygotes.

Submission:

Labcorp Genetics (formerly Invitae), Labcorp
Classification: Uncertain significance. Last evaluated: 2022-11-22. Review status: criteria provided, single submitter. Criteria: Invitae Variant Classification Sherloc (09022015). Collection method: clinical testing. Allele origin: germline.
Comment: In summary, the available evidence is currently insufficient to determine the role of this variant in disease. Therefore, it has been classified as a Variant of Uncertain Significance. Advanced modeling of protein sequence and biophysical properties (such as structural, functional, and spatial information, amino acid conservation, physicochemical variation, residue mobility, and thermodynamic stability) performed at Invitae indicates that this missense variant is expected to disrupt ASPM protein function. ClinVar contains an entry for this variant (Variation ID: 1372575). This variant has not been reported in the literature in individuals affected with ASPM-related conditions. This variant is present in population databases (rs545470771, gnomAD 0.03%). This sequence change replaces arginine, which is basic and polar, with histidine, which is basic and polar, at codon 490 of the ASPM protein (p.Arg490His).